The following is an entry in ClinVar:

NM_000059.4(BRCA2):c.9369C>A (p.Ser3123Arg)

Gene: BRCA2 (BRCA2 DNA repair associated; plus strand). Cytogenetic location: 13q13.1.
Variant type: single nucleotide variant.
Coding change: c.9369C>A on transcript NM_000059.4 (MANE Select); coding-DNA position 9369, C replaced by A.
Protein change: p.Ser3123Arg; replaces serine 3123 with arginine.
Molecular consequence: missense variant.
Genome position (GRCh38, 1-based): chr13:32,394,801, C>A. VCF-style: chr13-32394801-C-A. GRCh37 (hg19) VCF-style: chr13-32968938-C-A.
Other names: short protein forms S3123R.
Identifiers: ClinVar variation 141642 (VCV000141642.13), dbSNP rs587781901, ClinGen allele CA026118.
Genomic context (GRCh38, chr13:32,394,801, plus strand): 5'-AAAGTTTTGGATAGACCTTAATGAGGACATTATTAAGCCTCATATGTTAATTGCTGCAAG[C>A]AACCTCCAGTGGCGACCAGAATCCAAATCAGGCCTTCTTACTTTATTTGCTGGAGATTTT-3'
Protein context (NP_000050.3, residues 3113-3133): IIKPHMLIAA[Ser3123Arg]NLQWRPESKS

ClinVar aggregate classification (germline): Conflicting classifications of pathogenicity. Review status: criteria provided, conflicting classifications (1 of 4 stars). 2 submissions from 2 submitters: Uncertain significance (1); Likely benign (1). Last evaluated 2025-03-17.

Conditions:
Hereditary cancer-predisposing syndrome. Also called: Neoplastic Syndromes, Hereditary; Tumor predisposition; Hereditary Cancer Syndrome; Hereditary neoplastic syndrome. Identifiers: Orphanet 140162, MedGen C0027672, MeSH D009386, MONDO:0015356.
Hereditary breast ovarian cancer syndrome. Also called: Breast and ovarian cancer; Hereditary breast and ovarian cancer; Hereditary breast and/or ovarian cancer syndrome; BRCA1- and BRCA2-Associated Hereditary Breast and Ovarian Cancer; Hereditary breast and ovarian cancer syndrome; Hereditary breast and ovarian cancer syndrome (HBOC). Identifiers: Orphanet 145, MedGen C0677776, MeSH D061325, MONDO:0003582. Disease mechanism: loss of function.

Submissions (2):

Labcorp Genetics (formerly Invitae), Labcorp
Classification: Uncertain significance for Hereditary breast ovarian cancer syndrome. Last evaluated: 2025-03-17. Review status: criteria provided, single submitter. Criteria: Invitae Variant Classification Sherloc (09022015). Collection method: clinical testing. Allele origin: germline.
Comment: This sequence change replaces serine, which is neutral and polar, with arginine, which is basic and polar, at codon 3123 of the BRCA2 protein (p.Ser3123Arg). This variant is not present in population databases (gnomAD no frequency). This variant has not been reported in the literature in individuals affected with BRCA2-related conditions. ClinVar contains an entry for this variant (Variation ID: 141642). Invitae Evidence Modeling incorporating data from in vitro experimental studies (PMID: 33609447) indicates that this missense variant is not expected to disrupt BRCA2 function with a negative predictive value of 95%. In summary, the available evidence is currently insufficient to determine the role of this variant in disease. Therefore, it has been classified as a Variant of Uncertain Significance.

Ambry Genetics
Classification: Likely benign for Hereditary cancer-predisposing syndrome. Last evaluated: 2020-03-04. Review status: criteria provided, single submitter. Criteria: Ambry Variant Classification Scheme 2023. Collection method: clinical testing. Allele origin: germline.

Literature cited by the submitters: PubMed 33609447 (cited by Labcorp Genetics (formerly Invitae), Labcorp); PubMed 32444794 (cited by Ambry Genetics).